The following is an entry in ClinVar:

ClinVar aggregate classification (germline): Uncertain significance (1 of 4 stars; one submission).

Submission:

CeGaT Center for Human Genetics Tuebingen
Classification: Uncertain significance. Last evaluated: 2024-05-01. Review status: criteria provided, single submitter. Criteria: CeGaT Center For Human Genetics Tuebingen Variant Classification Criteria Version 2. Collection method: clinical testing. Allele origin: germline. Affected: yes. Observed: 1 variant allele.
Comment: DPYD: PM2, BP4

NM_000110.4(DPYD):c.1520T>C (p.Val507Ala)

Gene: DPYD (dihydropyrimidine dehydrogenase; minus strand). Cytogenetic location: 1p21.3.
Variant type: single nucleotide variant.
Coding change: c.1520T>C on transcript NM_000110.4 (MANE Select); coding-DNA position 1520, T replaced by C.
Protein change: p.Val507Ala; replaces valine 507 with alanine.
Molecular consequence: missense variant.
Genome position (GRCh38, 1-based): chr1:97,549,564, A>G on the plus strand (T>C on the coding strand, the complement: DPYD is on the minus strand). VCF-style: chr1-97549564-A-G. GRCh37 (hg19) VCF-style: chr1-98015120-A-G.
Other names: short protein forms V507A.
Identifiers: ClinVar variation 3239416 (VCV003239416.19), dbSNP rs2524372985.
Genomic context (GRCh38, chr1:97,549,564, plus strand): 5'-AATGAAGCACTTATCCATTGGAAAAGAATTAAGTGGAAATGATGGCAAATGCCTACCTGT[A>G]CGTATTTGTGAATGTACCAAGAAGCTTGCTTTCCATCATTCACCGATTCCACTGTAGTGT-3'
Protein context (NP_000101.2, residues 497-517): KQASWYIHKY[Val507Ala]QSQYGASVSA